The following is an entry in ClinVar:

NM_001042424.3(NSD2):c.884A>T (p.Gln295Leu)

Gene: NSD2 (nuclear receptor binding SET domain protein 2; plus strand). Cytogenetic location: 4p16.3.
Variant type: single nucleotide variant.
Coding change: c.884A>T on transcript NM_001042424.3 (MANE Select); coding-DNA position 884, A replaced by T.
Protein change: p.Gln295Leu; replaces glutamine 295 with leucine.
Molecular consequence: missense variant.
Genome position (GRCh38, 1-based): chr4:1,916,994, A>T. VCF-style: chr4-1916994-A-T. GRCh37 (hg19) VCF-style: chr4-1918721-A-T.
Other names: c.884A>T, p.Gln295Leu (NM_007331.2, NM_133330.3, NM_133331.3 and 2 more transcripts); short protein forms Q295L.
Identifiers: ClinVar variation 1680157 (VCV001680157.17), dbSNP rs144431814, ClinGen allele CA2811975.

ClinVar aggregate classification (germline): Likely benign. Review status: criteria provided, multiple submitters, no conflicts (2 of 4 stars). 3 submissions from 3 submitters: Likely benign (3). Last evaluated 2025-07-01.

Conditions:
Inborn genetic diseases. Identifiers: MedGen C0950123, MeSH D030342.

Allele frequency attached by ClinVar (database versions not stated): 1000 Genomes Project 0.00020; 1000 Genomes Project 30x 0.00031; ExAC 0.00045; gnomAD 0.00067 and 0.00068; TOPMed 0.00069; ESP Exome Variant Server 0.00115.
gnomAD v4.1: 1,703 of 1,614,160 alleles (0.11%); highest among the groups gnomAD compares: Non-Finnish European, 0.14%; 2 homozygotes.

Submissions (3):

CeGaT Center for Human Genetics Tuebingen
Classification: Likely benign. Last evaluated: 2025-07-01. Review status: criteria provided, single submitter. Criteria: CeGaT Center For Human Genetics Tuebingen Variant Classification Criteria Version 2. Collection method: clinical testing. Allele origin: germline. Affected: yes. Observed: 1 variant allele.
Comment: NSD2: BP4, BS1

Labcorp Genetics (formerly Invitae), Labcorp
Classification: Likely benign. Last evaluated: 2025-05-23. Review status: criteria provided, single submitter. Criteria: Invitae Variant Classification Sherloc (09022015). Collection method: clinical testing. Allele origin: germline.

Ambry Genetics
Classification: Likely benign for Inborn genetic diseases. Last evaluated: 2021-10-27. Review status: criteria provided, single submitter. Criteria: Ambry Variant Classification Scheme 2023. Collection method: clinical testing. Allele origin: germline.